The following is an entry in ClinVar:

ClinVar aggregate classification (germline): Pathogenic/Likely pathogenic. Review status: criteria provided, multiple submitters, no conflicts (2 of 4 stars). 7 submissions from 7 submitters: Pathogenic (6); Likely pathogenic (1). Last evaluated 2024-12-12.

Conditions:
Androgen resistance syndrome (AIS). Also called: Androgen insensitivity syndrome; Androgen insensitivity, complete; DHTR DEFICIENCY; TESTICULAR FEMINIZATION SYNDROME; ANDROGEN RECEPTOR DEFICIENCY; DIHYDROTESTOSTERONE RECEPTOR DEFICIENCY. Identifiers: Orphanet 754, Orphanet 99429, MedGen C0039585, MONDO:0019154, OMIM 300068. Disease mechanism: loss of function.
Kennedy disease (SMAX1). Also called: KENNEDY SPINAL AND BULBAR MUSCULAR ATROPHY; SPINAL AND BULBAR MUSCULAR ATROPHY, X-LINKED 1; Spinal and Bulbar Muscular Atrophy. Identifiers: Orphanet 481, MedGen C1839259, MONDO:0010735, OMIM 313200.
Hypospadias 1, X-linked (HYSP1). Identifiers: Orphanet 440, MedGen C2678098, MONDO:0010384, OMIM 300633.
Partial androgen insensitivity syndrome (PAIS). Also called: Gynecomastia, familial; Reifenstein syndrome, partial; Androgen resistance syndrome, partial; Type I familial incomplete male pseudohermaphroditism; ANDROGEN INSENSITIVITY, PARTIAL, WITH OR WITHOUT BREAST CANCER; Pseudohermaphroditism, Incomplete male, type I. Identifiers: Orphanet 90797, MedGen C0268301, MONDO:0010720, OMIM 312300.
AR-related disorders.

Allele frequency attached by ClinVar (database versions not stated): gnomAD exomes below 0.00001.
gnomAD v4.1: 1 of 1,210,692 alleles (0.000083%); highest among the groups gnomAD compares: Non-Finnish European, 0.00011%; no homozygotes.

Submissions (7):

Victorian Clinical Genetics Services, Murdoch Childrens Research Institute
Classification: Pathogenic for Androgen resistance syndrome. Last evaluated: 2024-12-12. Review status: criteria provided, single submitter. Criteria: ACMG Guidelines, 2015. Collection method: clinical testing. Allele origin: germline. Affected: yes.
Comment: This variant is classified as Pathogenic. Evidence in support of pathogenic classification: Variant is present in gnomAD (v4) <0.01 for a recessive condition (0 heterozygotes, 0 homozygotes, 1 hemizygote); This variant has strong previous evidence of pathogenicity in unrelated individuals. This variant has been reported in ClinVar three times as pathogenic. This variant has been observed in many individuals presenting with complete androgen insensitivity syndrome (CAIS) or hypospadias with a 46, XY karyotype (previously annotated as p.(R779W)) (PMIDs: 34276780, 31499074, 15925895, 9007482, 14974091, 12843171, 10690872); Missense variant consistently predicted to be damaging by multiple in silico tools or highly conserved with a major amino acid change; Additional information: Variant is predicted to result in a missense amino acid change from arginine to tryptophan; This variant is hemizygous; This gene is associated with X-linked recessive disease; An alternative amino acid change at the same position has been observed in gnomAD (v4: 10 heterozygotes, 0 homozygotes, 6 hemizygotes); Another missense variant comparable to the one identified in this case has inconclusive previous evidence for pathogenicity. p.(Arg780Gln), previously annotated as p.(R779Q), has been reported once in ClinVar as a VUS. A functional study using CV1 cells demonstrated loss of transactivation activity via luciferase assay (PMID: 10787411); Variant is located in the annotated hormone receptor domain (DECIPHER); Loss of function is a known mechanism of disease in this gene and is associated with androgen insensitivity (MIM#300068), androgen insensitivity, partial, with or without breast cancer (MIM#312300), hypospadias 1, X-linked (MIM#300633), and spinal and bulbar muscular atrophy, X-linked 1 (MIM#313200).

Greenwood Genetic Center Diagnostic Laboratories, Greenwood Genetic Center
Classification: Pathogenic for Androgen resistance syndrome. Last evaluated: 2024-08-22. Review status: criteria provided, single submitter. Criteria: ACMG Guidelines, 2015. Collection method: clinical testing. Allele origin: germline. Affected: yes.
Comment: PS3_Moderate, PS4, PM1, PM2, PP3

Labcorp Genetics (formerly Invitae), Labcorp
Classification: Pathogenic for Kennedy disease; Androgen resistance syndrome. Last evaluated: 2024-08-02. Review status: criteria provided, single submitter. Criteria: Invitae Variant Classification Sherloc (09022015). Collection method: clinical testing. Allele origin: germline.
Comment: This sequence change replaces arginine, which is basic and polar, with tryptophan, which is neutral and slightly polar, at codon 780 of the AR protein (p.Arg780Trp). This variant is not present in population databases (gnomAD no frequency). This missense change has been observed in individual(s) with complete androgen insensitivity syndrome (PMID: 7981687, 31499074). This variant is also known as p.Arg779Trp. ClinVar contains an entry for this variant (Variation ID: 989383). Advanced modeling of protein sequence and biophysical properties (such as structural, functional, and spatial information, amino acid conservation, physicochemical variation, residue mobility, and thermodynamic stability) has been performed at Invitae for this missense variant, however the output from this modeling did not meet the statistical confidence thresholds required to predict the impact of this variant on AR protein function. For these reasons, this variant has been classified as Pathogenic.

Blueprint Genetics
Classification: Pathogenic for AR-related disorders. Last evaluated: 2022-11-25. Review status: criteria provided, single submitter. Criteria: ACMG Guidelines, 2015. Collection method: clinical testing. Allele origin: germline. Affected: yes. Observed: 2 variant alleles.

GeneDx
Classification: Pathogenic. Last evaluated: 2021-03-01. Review status: criteria provided, single submitter. Criteria: GeneDx Variant Classification Process June 2021. Collection method: clinical testing. Allele origin: germline. Affected: yes.
Comment: Not observed in large population cohorts (Lek et al., 2016); The majority of missense variants in this gene are considered pathogenic (Stenson et al., 2014); In silico analysis, which includes protein predictors and evolutionary conservation, supports a deleterious effect; This variant is associated with the following publications: (PMID: 7981687, 32345305, 31499074, 15925895, 14974091, 10690872, 9007482, 7581399, 12843171)

Illumina Laboratory Services, Illumina
Classification: Pathogenic for Androgen resistance syndrome. Last evaluated: 2020-05-25. Review status: criteria provided, single submitter. Criteria: ICSLVariantClassificationCriteria RUGD 01 April 2020. Collection method: clinical testing. Allele origin: unknown.
Comment: The AR c.2338C>T (p.Arg780Trp) variant is a missense variant, also reported as p.Arg779Trp. Across a selection of the available literature, the p.Arg780Trp variant has been identified in a hemizygous state in at least five individuals with complete androgen insensitivity syndrome (Hiort et al. 1994; Murono et al. 1995; Sinnecker et al. 1997; Maclean et al. 2004; Kharrat et al. 2019). The p.Arg780Trp variant is not reported in the Genome Aggregation Database in a region of good sequence coverage, suggesting that it is a rare variant. Maclean et al. (2004) demonstrated that the p.Arg780Trp variant destabilizes the mutant receptor in extracts from the patient's fibroblasts and also demonstrated diminished androgen binding to the mutant receptor in cultured genital skin fibroblasts from the patient. The Arg780 residue lies in the ligand binding domain of the androgen receptor, wherein majority of the mutations that cause complete androgen insensitivity reside (Gottlieb et al. 2012). In addition, Murono et al. (1995) note that in the ligand binding domain, there are 12 arginine codons, out of which at least nine have been affected in individuals with complete androgen insensitivity. Based on the collective evidence and application of the ACMG criteria, the p.Arg780Trp variant is classified as pathogenic for androgen insensitivity syndrome.

Juno Genomics, Hangzhou Juno Genomics, Inc
Classification: Likely pathogenic for Kennedy disease; Androgen resistance syndrome; Partial androgen insensitivity syndrome; Hypospadias 1, X-linked. Review status: criteria provided, single submitter. Criteria: ACMG Guidelines, 2015. Collection method: clinical testing. Allele origin: germline.
Comment: Absent from controls (or at extremely low frequency if recessive) in Genome Aggregation Database.;The prevalence of the variant in affected individuals is significantly increased compared to the prevalence in controls.;Patient's phenotype or family history is highly specific for a disease with a single genetic etiology.;Well-established in vitro or in vivo functional studies supportive of a damaging effect on the gene or gene product.;Located in a mutational hot spot and/or critical and well-established functional domain without benign variation.

Literature cited by the submitters: PubMed 12843171 (cited by Victorian Clinical Genetics Services, Murdoch Childrens Research Institute); PubMed 10787411 (cited by Victorian Clinical Genetics Services, Murdoch Childrens Research Institute); PubMed 10690872 (cited by Victorian Clinical Genetics Services, Murdoch Childrens Research Institute); PubMed 31499074 (cited by 3 submitters); PubMed 15925895 (cited by Victorian Clinical Genetics Services, Murdoch Childrens Research Institute); PubMed 14974091 (cited by Victorian Clinical Genetics Services, Murdoch Childrens Research Institute and Illumina Laboratory Services, Illumina); PubMed 34276780 (cited by Victorian Clinical Genetics Services, Murdoch Childrens Research Institute); PubMed 9007482 (cited by Victorian Clinical Genetics Services, Murdoch Childrens Research Institute and Illumina Laboratory Services, Illumina); PubMed 7981687 (cited by Labcorp Genetics (formerly Invitae), Labcorp and Illumina Laboratory Services, Illumina); PubMed 22334387 (cited by Illumina Laboratory Services, Illumina); PubMed 7581399 (cited by Illumina Laboratory Services, Illumina).

NM_000044.6(AR):c.2338C>T (p.Arg780Trp)

Gene: AR (androgen receptor; plus strand). Cytogenetic location: Xq12.
Variant type: single nucleotide variant.
Coding change: c.2338C>T on transcript NM_000044.6 (MANE Select); coding-DNA position 2338, C replaced by T.
Protein change: p.Arg780Trp; replaces arginine 780 with tryptophan.
Molecular consequence: missense variant.
Genome position (GRCh38, 1-based): chrX:67,721,852, C>T. VCF-style: chrX-67721852-C-T. GRCh37 (hg19) VCF-style: chrX-66941694-C-T.
Other names: c.2338C>T (NM_000044.4); c.742C>T, p.Arg248Trp (NM_001011645.3); short protein forms R248W, R780W.
Identifiers: ClinVar variation 989383 (VCV000989383.21), dbSNP rs2076137289, ClinGen allele CA413426446.